The following is an entry in ClinVar:

ClinVar aggregate classification (germline): Uncertain significance (1 of 4 stars; one submission).

Conditions:
Congenital myasthenic syndrome 20. Also called: Myasthenic syndrome, congenital, 20, presynaptic. Identifiers: MedGen C4310694, MONDO:0014939, OMIM 617143.
Neuronopathy, distal hereditary motor, type 7A. Also called: Neuronopathy, distal hereditary motor, type viia; NEURONOPATHY, DISTAL HEREDITARY MOTOR, HARDING TYPE VIIA; NEUROPATHY, DISTAL HEREDITARY MOTOR, HARDING TYPE VIIA; Neuronopathy, distal hereditary motor, autosomal dominant 7; HARPER-YOUNG MYOPATHY; HMN VIIA. Identifiers: Orphanet 139589, MedGen C1834703, MONDO:0008024, OMIM 158580.

gnomAD v4.1: 1 of 1,613,866 alleles (0.000062%); highest among the groups gnomAD compares: South Asian, 0.0011%; no homozygotes.

Submission:

Labcorp Genetics (formerly Invitae), Labcorp
Classification: Uncertain significance for Neuronopathy, distal hereditary motor, type 7A; Congenital myasthenic syndrome 20. Last evaluated: 2025-07-31. Review status: criteria provided, single submitter. Criteria: Invitae Variant Classification Sherloc (09022015). Collection method: clinical testing. Allele origin: germline.
Comment: This sequence change replaces valine, which is neutral and non-polar, with phenylalanine, which is neutral and non-polar, at codon 485 of the SLC5A7 protein (p.Val485Phe). This variant is not present in population databases (gnomAD no frequency). This variant has not been reported in the literature in individuals affected with SLC5A7-related conditions. Invitae Evidence Modeling of protein sequence and biophysical properties (such as structural, functional, and spatial information, amino acid conservation, physicochemical variation, residue mobility, and thermodynamic stability) indicates that this missense variant is not expected to disrupt SLC5A7 protein function with a negative predictive value of 80%. In summary, the available evidence is currently insufficient to determine the role of this variant in disease. Therefore, it has been classified as a Variant of Uncertain Significance.

NM_021815.5(SLC5A7):c.1453G>T (p.Val485Phe)

Gene: SLC5A7 (solute carrier family 5 member 7; plus strand). Cytogenetic location: 2q12.3.
Variant type: single nucleotide variant.
Coding change: c.1453G>T on transcript NM_021815.5 (MANE Select); coding-DNA position 1453, G replaced by T.
Protein change: p.Val485Phe; replaces valine 485 with phenylalanine.
Molecular consequence: missense variant.
Genome position (GRCh38, 1-based): chr2:108,010,571, G>T. VCF-style: chr2-108010571-G-T. GRCh37 (hg19) VCF-style: chr2-108627027-G-T.
Other names: c.1453G>T, p.Val485Phe (NM_001305005.3); c.1138G>T, p.Val380Phe (NM_001305006.3); c.712G>T, p.Val238Phe (NM_001305007.3); short protein forms V485F, V380F, V238F.
Identifiers: ClinVar variation 4783254 (VCV004783254.1).